The following is an entry in ClinVar:

ClinVar aggregate classification (germline): Uncertain significance (1 of 4 stars; one submission).

Submission:

Labcorp Genetics (formerly Invitae), Labcorp
Classification: Uncertain significance. Last evaluated: 2022-04-03. Review status: criteria provided, single submitter. Criteria: Invitae Variant Classification Sherloc (09022015). Collection method: clinical testing. Allele origin: germline.
Comment: This sequence change replaces aspartic acid, which is acidic and polar, with glycine, which is neutral and non-polar, at codon 48 of the KIZ protein (p.Asp48Gly). This variant is not present in population databases (gnomAD no frequency). This variant has not been reported in the literature in individuals affected with KIZ-related conditions. Experimental studies and prediction algorithms are not available or were not evaluated, and the functional significance of this variant is currently unknown. In summary, the available evidence is currently insufficient to determine the role of this variant in disease. Therefore, it has been classified as a Variant of Uncertain Significance.

NM_018474.6(KIZ):c.143A>G (p.Asp48Gly)

Gene: KIZ (kizuna centrosomal protein; plus strand). Cytogenetic location: 20p11.23.
Variant type: single nucleotide variant.
Coding change: c.143A>G on transcript NM_018474.6 (MANE Select); coding-DNA position 143, A replaced by G.
Protein change: p.Asp48Gly; replaces aspartic acid 48 with glycine.
Molecular consequence: missense variant. On other transcripts: 5 prime UTR variant (4), intron variant (1).
Genome position (GRCh38, 1-based): chr20:21,132,150, A>G. VCF-style: chr20-21132150-A-G. GRCh37 (hg19) VCF-style: chr20-21112791-A-G.
Other names: c.-4A>G (NM_001163022.3, NM_001163023.3, NM_001352435.2); c.143A>G, p.Asp48Gly (NM_001352434.2); c.-244A>G (NM_001352436.2); c.168+5946A>G (NM_001276389.2); short protein forms D48G.
Identifiers: ClinVar variation 2121124 (VCV002121124.4), dbSNP rs2519597996, ClinGen allele CA408488020.